The following is an entry in ClinVar:

ClinVar aggregate classification (germline): Conflicting classifications of pathogenicity. Review status: criteria provided, conflicting classifications (1 of 4 stars). 2 submissions from 2 submitters: Likely pathogenic (1); Uncertain significance (1). Last evaluated 2024-02-19.

Conditions:
IFT80-related disorder. Also called: IFT80-related condition.
Jeune thoracic dystrophy. Also called: Jeune syndrome; Infantile thoracic dystrophy; Thoracic pelvic phalangeal dystrophy; Jeune's syndrome; Chondroectodermal dysplasia-like syndrome; Short-rib thoracic dysplasia. Identifiers: Orphanet 474, MedGen C0265275, MONDO:0018770.

Allele frequency attached by ClinVar (database versions not stated): gnomAD below 0.00001 and 0.00001; gnomAD exomes 0.00003 and 0.00007; ExAC 0.00007.
gnomAD v4.1: 42 of 1,609,510 alleles (0.0026%); highest among the groups gnomAD compares: South Asian, 0.04%; no homozygotes.

Submissions (2):

Labcorp Genetics (formerly Invitae), Labcorp
Classification: Uncertain significance for Jeune thoracic dystrophy. Last evaluated: 2024-02-19. Review status: criteria provided, single submitter. Criteria: Invitae Variant Classification Sherloc (09022015). Collection method: clinical testing. Allele origin: germline.
Comment: This sequence change replaces lysine, which is basic and polar, with glutamic acid, which is acidic and polar, at codon 408 of the IFT80 protein (p.Lys408Glu). This variant is present in population databases (rs776006563, gnomAD 0.06%). This missense change has been observed in individual(s) with clinical features of IFT80-related conditions (PMID: 29923190). In at least one individual the data is consistent with being in trans (on the opposite chromosome) from a pathogenic variant. ClinVar contains an entry for this variant (Variation ID: 1019026). Advanced modeling of protein sequence and biophysical properties (such as structural, functional, and spatial information, amino acid conservation, physicochemical variation, residue mobility, and thermodynamic stability) performed at Invitae indicates that this missense variant is not expected to disrupt IFT80 protein function with a negative predictive value of 80%. Algorithms developed to predict the effect of sequence changes on RNA splicing suggest that this variant may disrupt the consensus splice site. In summary, the available evidence is currently insufficient to determine the role of this variant in disease. Therefore, it has been classified as a Variant of Uncertain Significance.

Blueprint Genetics
Classification: Likely pathogenic for IFT80-related disorders. Last evaluated: 2021-12-31. Review status: criteria provided, single submitter. Criteria: ACMG Guidelines, 2015. Collection method: clinical testing. Allele origin: germline. Affected: yes. Observed: 2 variant alleles.

Literature cited by the submitters: PubMed 29923190 (cited by Labcorp Genetics (formerly Invitae), Labcorp).

NM_020800.3(IFT80):c.1222A>G (p.Lys408Glu)

Genes: TRIM59-IFT80 (TRIM59-IFT80 readthrough (NMD candidate); minus strand), IFT80 (intraflagellar transport 80; minus strand). Cytogenetic location: 3q25.33.
Variant type: single nucleotide variant.
Coding change: c.1222A>G on transcript NM_020800.3 (MANE Select); coding-DNA position 1222, A replaced by G.
Protein change: p.Lys408Glu; replaces lysine 408 with glutamic acid.
Molecular consequence: missense variant. On other transcripts: non-coding transcript variant (3).
Genome position (GRCh38, 1-based): chr3:160,300,976, T>C on the plus strand (A>G on the coding strand, the complement: IFT80 is on the minus strand). VCF-style: chr3-160300976-T-C. GRCh37 (hg19) VCF-style: chr3-160018764-T-C.
Other names: c.811A>G, p.Lys271Glu (NM_001190241.2, NM_001190242.2); short protein forms K271E, K408E.
Identifiers: ClinVar variation 1019026 (VCV001019026.8), dbSNP rs776006563, ClinGen allele CA2685219.